The following is an entry in ClinVar:

ClinVar aggregate classification (germline): Uncertain significance. Review status: criteria provided, single submitter (1 of 4 stars). 2 submissions from 2 submitters: Uncertain significance (1). 1 of the submissions does not count toward it. Last evaluated 2022-06-25.

Conditions:
DNAAF3-related disorder. Also called: DNAAF3-related condition.
Primary ciliary dyskinesia. Also called: Ciliary dyskinesia. Identifiers: Orphanet 244, MedGen C0008780, MONDO:0016575, HP:0012265.

Allele frequency attached by ClinVar (database versions not stated): ExAC below 0.00001.
gnomAD v4.1: 16 of 1,247,204 alleles (0.0013%); highest among the groups gnomAD compares: East Asian, 0.047%; no homozygotes.

Submissions (2):

Labcorp Genetics (formerly Invitae), Labcorp
Classification: Uncertain significance for Primary ciliary dyskinesia. Last evaluated: 2022-06-25. Review status: criteria provided, single submitter. Criteria: Invitae Variant Classification Sherloc (09022015). Collection method: clinical testing. Allele origin: germline.
Comment: This sequence change falls in intron 5 of the DNAAF3 gene. It does not directly change the encoded amino acid sequence of the DNAAF3 protein. It affects a nucleotide within the consensus splice site. This variant is not present in population databases (gnomAD no frequency). This variant has not been reported in the literature in individuals affected with DNAAF3-related conditions. ClinVar contains an entry for this variant (Variation ID: 1002599). Variants that disrupt the consensus splice site are a relatively common cause of aberrant splicing (PMID: 17576681, 9536098). Algorithms developed to predict the effect of sequence changes on RNA splicing suggest that this variant is not likely to affect RNA splicing. In summary, the available evidence is currently insufficient to determine the role of this variant in disease. Therefore, it has been classified as a Variant of Uncertain Significance.

PreventionGenetics, part of Exact Sciences
Classification: Likely benign for DNAAF3-related condition. Last evaluated: 2022-05-17. Review status: no assertion criteria provided. Collection method: clinical testing. Allele origin: germline. Not counted in ClinVar's aggregate classification.
Comment: This variant is classified as likely benign based on ACMG/AMP sequence variant interpretation guidelines (Richards et al. 2015 PMID: 25741868, with internal and published modifications).

Literature cited by the submitters: PubMed 17576681 (cited by Labcorp Genetics (formerly Invitae), Labcorp); PubMed 9536098 (cited by Labcorp Genetics (formerly Invitae), Labcorp).

NM_001256715.2(DNAAF3):c.480+5C>T

Genes: DNAAF3-AS1 (DNAAF3 antisense RNA 1; plus strand), DNAAF3 (dynein axonemal assembly factor 3; minus strand). Cytogenetic location: 19q13.42.
Variant type: single nucleotide variant.
Coding change: c.480+5C>T on transcript NM_001256715.2 (MANE Select); 5 bases into the intron after coding-DNA position 480, C replaced by T.
Molecular consequence: intron variant.
Genome position (GRCh38, 1-based): chr19:55,162,128, G>A on the plus strand (C>T on the coding strand, the complement: DNAAF3 is on the minus strand). VCF-style: chr19-55162128-G-A. GRCh37 (hg19) VCF-style: chr19-55673496-G-A.
Other names: c.621+5C>T (NM_178837.4); c.684+5C>T (NM_001256714.1); c.318+5C>T (NM_001256716.2).
Identifiers: ClinVar variation 1002599 (VCV001002599.8), dbSNP rs757597159, ClinGen allele CA9668146.